The following is an entry in ClinVar:

NM_020937.4(FANCM):c.5824G>A (p.Ala1942Thr)

Gene: FANCM (FA complementation group M; plus strand). Cytogenetic location: 14q21.2.
Variant type: single nucleotide variant.
Coding change: c.5824G>A on transcript NM_020937.4 (MANE Select); coding-DNA position 5824, G replaced by A.
Protein change: p.Ala1942Thr; replaces alanine 1942 with threonine.
Molecular consequence: missense variant.
Genome position (GRCh38, 1-based): chr14:45,198,751, G>A. VCF-style: chr14-45198751-G-A. GRCh37 (hg19) VCF-style: chr14-45667954-G-A.
Other names: c.5824G>A (LRG_502t1, NM_020937.3); c.5746G>A, p.Ala1916Thr (NM_001308133.2); short protein forms A1942T, A1916T.
Identifiers: ClinVar variation 2442472 (VCV002442472.8), dbSNP rs759078220, ClinGen allele CA7170076.

ClinVar aggregate classification (germline): Uncertain significance. Review status: criteria provided, multiple submitters, no conflicts (2 of 4 stars). 4 submissions from 4 submitters: Uncertain significance (4). Last evaluated 2025-07-31.

Conditions:
Inborn genetic diseases. Identifiers: MedGen C0950123, MeSH D030342.
Fanconi anemia (FA). Also called: Fanconi's anemia. Identifiers: Orphanet 84, MedGen C0015625, MeSH D005199, MONDO:0019391.

Allele frequency attached by ClinVar (database versions not stated): gnomAD exomes 0.00001; ExAC 0.00002.
gnomAD v4.1: 9 of 1,613,842 alleles (0.00056%); highest among the groups gnomAD compares: Admixed American, 0.005%; no homozygotes.

Submissions (4):

Quest Diagnostics Nichols Institute San Juan Capistrano
Classification: Uncertain significance. Last evaluated: 2025-07-31. Review status: criteria provided, single submitter. Criteria: Quest Diagnostics criteria. Collection method: clinical testing. Allele origin: unknown.
Comment: The FANCM c.5824G>A (p.Ala1942Thr) variant has been reported in the published literature in an individual with breast cancer (PMID: 33471991 (2021), see also LOVD). The frequency of this variant in the general population (Genome Aggregation Database) is uninformative in the assessment of its pathogenicity. Analysis of this variant using bioinformatics tools for the prediction of the effect of amino acid changes on protein structure and function yielded predictions that this variant is damaging. Based on the available information, we are unable to determine the clinical significance of this variant.

Ambry Genetics
Classification: Uncertain significance for Inborn genetic diseases. Last evaluated: 2024-11-23. Review status: criteria provided, single submitter. Criteria: Ambry Variant Classification Scheme 2023. Collection method: clinical testing. Allele origin: germline.
Comment: The p.A1942T variant (also known as c.5824G>A), located in coding exon 22 of the FANCM gene, results from a G to A substitution at nucleotide position 5824. The alanine at codon 1942 is replaced by threonine, an amino acid with similar properties. This amino acid position is conserved. In addition, this alteration is predicted to be deleterious by in silico analysis. Based on the available evidence, the clinical significance of this variant remains unclear.

GeneDx
Classification: Uncertain significance. Last evaluated: 2024-05-17. Review status: criteria provided, single submitter. Criteria: GeneDx Variant Classification Process June 2021. Collection method: clinical testing. Allele origin: germline. Affected: yes.
Comment: Not observed at significant frequency in large population cohorts (gnomAD); In silico analysis supports that this missense variant has a deleterious effect on protein structure/function; Has not been previously published as pathogenic or benign to our knowledge

Labcorp Genetics (formerly Invitae), Labcorp
Classification: Uncertain significance for Fanconi anemia. Last evaluated: 2023-08-22. Review status: criteria provided, single submitter. Criteria: Invitae Variant Classification Sherloc (09022015). Collection method: clinical testing. Allele origin: germline.
Comment: This sequence change replaces alanine, which is neutral and non-polar, with threonine, which is neutral and polar, at codon 1942 of the FANCM protein (p.Ala1942Thr). This variant is present in population databases (rs759078220, gnomAD 0.009%). This variant has not been reported in the literature in individuals affected with FANCM-related conditions. ClinVar contains an entry for this variant (Variation ID: 2442472). An algorithm developed to predict the effect of missense changes on protein structure and function (PolyPhen-2) suggests that this variant is likely to be disruptive. In summary, the available evidence is currently insufficient to determine the role of this variant in disease. Therefore, it has been classified as a Variant of Uncertain Significance.

Literature cited by the submitters: PubMed 33471991 (cited by Quest Diagnostics Nichols Institute San Juan Capistrano).